The following is an entry in ClinVar:

ClinVar aggregate classification (germline): Uncertain significance (1 of 4 stars; one submission).

Conditions:
Cardiovascular phenotype. Identifiers: MedGen CN230736.

Submission:

Ambry Genetics
Classification: Uncertain significance for Cardiovascular phenotype. Last evaluated: 2022-03-11. Review status: criteria provided, single submitter. Criteria: Ambry Variant Classification Scheme 2023. Collection method: clinical testing. Allele origin: germline.
Comment: The p.R969L variant (also known as c.2906G>T), located in coding exon 19 of the TRPM4 gene, results from a G to T substitution at nucleotide position 2906. The arginine at codon 969 is replaced by leucine, an amino acid with dissimilar properties. This amino acid position is conserved. In addition, this alteration is predicted to be deleterious by in silico analysis. Since supporting evidence is limited at this time, the clinical significance of this alteration remains unclear.

NM_017636.4(TRPM4):c.2906G>T (p.Arg969Leu)

Gene: TRPM4 (transient receptor potential cation channel subfamily M member 4; plus strand). Cytogenetic location: 19q13.33.
Variant type: single nucleotide variant.
Coding change: c.2906G>T on transcript NM_017636.4 (MANE Select); coding-DNA position 2906, G replaced by T.
Protein change: p.Arg969Leu; replaces arginine 969 with leucine.
Molecular consequence: missense variant.
Genome position (GRCh38, 1-based): chr19:49,200,738, G>T. VCF-style: chr19-49200738-G-T. GRCh37 (hg19) VCF-style: chr19-49703995-G-T.
Other names: c.2471G>T, p.Arg824Leu (NM_001195227.2); c.2561G>T, p.Arg854Leu (NM_001321281.2); c.1298G>T, p.Arg433Leu (NM_001321282.2); c.2384G>T, p.Arg795Leu (NM_001321283.2); c.1844G>T, p.Arg615Leu (NM_001321285.2); short protein forms R615L, R795L, R433L, R854L, R969L, R824L.
Identifiers: ClinVar variation 1797516 (VCV001797516.2), dbSNP rs1468804565, ClinGen allele CA406812112.
Genomic context (GRCh38, chr19:49,200,738, plus strand): 5'-AGGGGCTCCTGAGGCCACGGGACAGTGACTTCCCAAGTATCCTGCGCCGCGTCTTCTACC[G>T]TCCCTACCTGCAGATCTTCGGGCAGATTCCCCAGGAGGACATGGACGGTAGGGGGGATGA-3'
Protein context (NP_060106.2, residues 959-979): FPSILRRVFY[Arg969Leu]PYLQIFGQIP